The following is an entry in ClinVar:

NM_016151.4(TAOK2):c.2348_2359del (p.Val783_Arg787delinsGly)

Gene: TAOK2 (TAO kinase 2; plus strand). Cytogenetic location: 16p11.2.
Variant type: Deletion.
Coding change: c.2348_2359del on transcript NM_016151.4 (MANE Select); coding-DNA positions 2348 to 2359, 12 bases deleted (TCCTGGACCAAA).
Protein change: p.Val783_Arg787delinsGly.
Molecular consequence: inframe indel. On other transcripts: intron variant (2).
Genome position (GRCh38, 1-based): chr16:29,986,620-29,986,631, TCCTGGACCAAA deleted. VCF-style (leftmost placement, unchanged base first): chr16-29986619-GTCCTGGACCAAA-G. GRCh37 (hg19) VCF-style: chr16-29997940-GTCCTGGACCAAA-G.
Other names: c.2232+116_2232+127del (NM_004783.4, NM_001252043.2).
Identifiers: ClinVar variation 3727413 (VCV003727413.2).

ClinVar aggregate classification (germline): Uncertain significance (1 of 4 stars; one submission).

Submission:

Labcorp Genetics (formerly Invitae), Labcorp
Classification: Uncertain significance. Last evaluated: 2024-12-16. Review status: criteria provided, single submitter. Criteria: Invitae Variant Classification Sherloc (09022015). Collection method: clinical testing. Allele origin: germline.
Comment: This variant, c.2348_2359del, results in the deletion of 5 and insertion of 1 amino acid(s) of the TAOK2 protein (p.Val783_Arg787delinsGly), but otherwise preserves the integrity of the reading frame. This variant is not present in population databases (gnomAD no frequency). This variant has not been reported in the literature in individuals affected with TAOK2-related conditions. Experimental studies and prediction algorithms are not available or were not evaluated, and the functional significance of this variant is currently unknown. In summary, the available evidence is currently insufficient to determine the role of this variant in disease. Therefore, it has been classified as a Variant of Uncertain Significance.